The following is an entry in ClinVar:

NM_000057.4(BLM):c.1034C>T (p.Pro345Leu)

Gene: BLM (BLM RecQ like helicase; plus strand). Cytogenetic location: 15q26.1.
Variant type: single nucleotide variant.
Coding change: c.1034C>T on transcript NM_000057.4 (MANE Select); coding-DNA position 1034, C replaced by T.
Protein change: p.Pro345Leu; replaces proline 345 with leucine.
Molecular consequence: missense variant. On other transcripts: 5 prime UTR variant (1).
Genome position (GRCh38, 1-based): chr15:90,754,885, C>T. VCF-style: chr15-90754885-C-T. GRCh37 (hg19) VCF-style: chr15-91298115-C-T.
Other names: c.1034C>T, p.Pro345Leu (NM_001287246.2, NM_001287247.2); c.-258C>T (NM_001287248.2); short protein forms P345L.
Identifiers: ClinVar variation 2127461 (VCV002127461.4), dbSNP rs2505407097, ClinGen allele CA393842143.
Genomic context (GRCh38, chr15:90,754,885, plus strand): 5'-TTGACACCTCTGACAGAAAAGAGGATGTTCTTAGCACATCAAAAGATCTTTTGTCAAAAC[C>T]TGAGAAAATGAGTATGCAGGAGCTGAATCCAGAAACCAGCACAGACTGTGACGGTACAAG-3'
Protein context (NP_000048.1, residues 335-355): LSTSKDLLSK[Pro345Leu]EKMSMQELNP

ClinVar aggregate classification (germline): Uncertain significance (1 of 4 stars; one submission).

Conditions:
Bloom syndrome (BLM). Also called: Bloom-Torre-Machacek syndrome. Identifiers: Orphanet 125, MedGen C0005859, MONDO:0008876, OMIM 210900.

Submission:

Labcorp Genetics (formerly Invitae), Labcorp
Classification: Uncertain significance for Bloom syndrome. Last evaluated: 2026-02-03. Review status: criteria provided, single submitter. Criteria: Invitae Variant Classification Sherloc (09022015). Collection method: clinical testing. Allele origin: germline.
Comment: This sequence change replaces proline, which is neutral and non-polar, with leucine, which is neutral and non-polar, at codon 345 of the BLM protein (p.Pro345Leu). This variant is not present in population databases (gnomAD no frequency). This variant has not been reported in the literature in individuals affected with BLM-related conditions. ClinVar contains an entry for this variant (Variation ID: 2127461). Invitae Evidence Modeling of protein sequence and biophysical properties (such as structural, functional, and spatial information, amino acid conservation, physicochemical variation, residue mobility, and thermodynamic stability) indicates that this missense variant is not expected to disrupt BLM protein function with a negative predictive value of 80%. In summary, the available evidence is currently insufficient to determine the role of this variant in disease. Therefore, it has been classified as a Variant of Uncertain Significance.